The following is an entry in ClinVar:

NM_015466.4(PTPN23):c.457G>A (p.Ala153Thr)

Gene: PTPN23 (protein tyrosine phosphatase non-receptor type 23; plus strand). Cytogenetic location: 3p21.31.
Variant type: single nucleotide variant.
Coding change: c.457G>A on transcript NM_015466.4 (MANE Select); coding-DNA position 457, G replaced by A.
Protein change: p.Ala153Thr; replaces alanine 153 with threonine.
Molecular consequence: missense variant.
Genome position (GRCh38, 1-based): chr3:47,405,957, G>A. VCF-style: chr3-47405957-G-A. GRCh37 (hg19) VCF-style: chr3-47447447-G-A.
Other names: c.79G>A, p.Ala27Thr (NM_001304482.2); short protein forms A153T, A27T.
Identifiers: ClinVar variation 2154869 (VCV002154869.1), dbSNP rs370113013, ClinGen allele CA73871215.

ClinVar aggregate classification (germline): Uncertain significance (1 of 4 stars; one submission).

Allele frequency attached by ClinVar (database versions not stated): gnomAD exomes below 0.00001; gnomAD 0.00001; ESP Exome Variant Server 0.00008.

Submission:

Labcorp Genetics (formerly Invitae), Labcorp
Classification: Uncertain significance. Last evaluated: 2022-09-02. Review status: criteria provided, single submitter. Criteria: Invitae Variant Classification Sherloc (09022015). Collection method: clinical testing. Allele origin: germline.
Comment: This sequence change replaces alanine, which is neutral and non-polar, with threonine, which is neutral and polar, at codon 153 of the PTPN23 protein (p.Ala153Thr). The frequency data for this variant in the population databases is considered unreliable, as metrics indicate poor data quality at this position in the gnomAD database. This variant has not been reported in the literature in individuals affected with PTPN23-related conditions. Algorithms developed to predict the effect of missense changes on protein structure and function are either unavailable or do not agree on the potential impact of this missense change (SIFT: "Deleterious"; PolyPhen-2: "Not Available"; Align-GVGD: "Class C0"). In summary, the available evidence is currently insufficient to determine the role of this variant in disease. Therefore, it has been classified as a Variant of Uncertain Significance.